The following is an entry in ClinVar:

ClinVar aggregate classification (germline): Uncertain significance. Review status: criteria provided, multiple submitters, no conflicts (2 of 4 stars). 3 submissions from 3 submitters: Uncertain significance (3). Last evaluated 2026-01-05.

Conditions:
PKHD1-related disorder. Also called: PKHD1-related condition.
Autosomal recessive polycystic kidney disease (ARPKD). Also called: AR polycystic kidney disease. Identifiers: Orphanet 731, Orphanet 8378, MedGen C0085548, MeSH D017044, MONDO:0009889.
Polycystic kidney disease 4 (PKD4). Also called: POLYCYSTIC KIDNEY DISEASE 4 WITH OR WITHOUT POLYCYSTIC LIVER DISEASE; Autosomal Recessive Polycystic Kidney Disease – PKHD1; PKD3; POLYCYSTIC KIDNEY AND HEPATIC DISEASE 1; POLYCYSTIC KIDNEY DISEASE, INFANTILE, TYPE I. Identifiers: MedGen C4540575, MONDO:0033004, OMIM 263200.

Allele frequency attached by ClinVar (database versions not stated): gnomAD 0.00001; gnomAD exomes 0.00001 and 0.00002; ExAC 0.00002; TOPMed 0.00002.
gnomAD v4.1: 8 of 1,613,228 alleles (0.0005%); highest among the groups gnomAD compares: Admixed American, 0.012%; no homozygotes.

Submissions (3):

PreventionGenetics, part of Exact Sciences
Classification: Uncertain significance for PKHD1-related condition. Last evaluated: 2026-01-05. Review status: criteria provided, single submitter. Criteria: ACMG Guidelines, 2015. Collection method: clinical testing. Allele origin: germline.
Comment: The PKHD1 c.6187G>A variant is predicted to result in the amino acid substitution p.Ala2063Thr. To our knowledge, this variant has not been reported in the literature. This variant is reported in 0.014% of alleles in individuals of Latino descent in gnomAD. At this time, the clinical significance of this variant is uncertain due to the absence of conclusive functional and genetic evidence.

Fulgent Genetics
Classification: Uncertain significance for Polycystic kidney disease 4. Last evaluated: 2024-03-19. Review status: criteria provided, single submitter. Criteria: ACMG Guidelines, 2015. Collection method: clinical testing. Allele origin: germline.

Labcorp Genetics (formerly Invitae), Labcorp
Classification: Uncertain significance for Autosomal recessive polycystic kidney disease. Last evaluated: 2022-06-20. Review status: criteria provided, single submitter. Criteria: Invitae Variant Classification Sherloc (09022015). Collection method: clinical testing. Allele origin: germline.
Comment: This sequence change replaces alanine, which is neutral and non-polar, with threonine, which is neutral and polar, at codon 2063 of the PKHD1 protein (p.Ala2063Thr). This variant is present in population databases (rs772835579, gnomAD 0.01%). This variant has not been reported in the literature in individuals affected with PKHD1-related conditions. Advanced modeling of protein sequence and biophysical properties (such as structural, functional, and spatial information, amino acid conservation, physicochemical variation, residue mobility, and thermodynamic stability) performed at Invitae indicates that this missense variant is not expected to disrupt PKHD1 protein function. In summary, the available evidence is currently insufficient to determine the role of this variant in disease. Therefore, it has been classified as a Variant of Uncertain Significance.

NM_138694.4(PKHD1):c.6187G>A (p.Ala2063Thr)

Gene: PKHD1 (PKHD1 ciliary IPT domain containing fibrocystin/polyductin; minus strand). Cytogenetic location: 6p12.2.
Variant type: single nucleotide variant.
Coding change: c.6187G>A on transcript NM_138694.4 (MANE Select); coding-DNA position 6187, G replaced by A.
Protein change: p.Ala2063Thr; replaces alanine 2063 with threonine.
Molecular consequence: missense variant.
Genome position (GRCh38, 1-based): chr6:51,912,511, C>T on the plus strand (G>A on the coding strand, the complement: PKHD1 is on the minus strand). VCF-style: chr6-51912511-C-T. GRCh37 (hg19) VCF-style: chr6-51777309-C-T.
Other names: c.6187G>A, p.Ala2063Thr (NM_170724.3); c.6187G>A (NM_138694.3); short protein forms A2063T.
Identifiers: ClinVar variation 1383703 (VCV001383703.7), dbSNP rs772835579, ClinGen allele CA3852316.